The following is an entry in ClinVar:

ClinVar aggregate classification (germline): Uncertain significance (1 of 4 stars; one submission).

Allele frequency attached by ClinVar (database versions not stated): gnomAD exomes 0.00001 and 0.00003; ExAC 0.00002; gnomAD 0.00003; TOPMed 0.00003; ESP Exome Variant Server 0.00008.

Submission:

Labcorp Genetics (formerly Invitae), Labcorp
Classification: Uncertain significance. Last evaluated: 2026-01-04. Review status: criteria provided, single submitter. Criteria: Invitae Variant Classification Sherloc (09022015). Collection method: clinical testing. Allele origin: germline.
Comment: This sequence change replaces arginine, which is basic and polar, with cysteine, which is neutral and slightly polar, at codon 209 of the TEAD1 protein (p.Arg209Cys). This variant is present in population databases (rs375371397, gnomAD 0.006%). This variant has not been reported in the literature in individuals affected with TEAD1-related conditions. ClinVar contains an entry for this variant (Variation ID: 1004151). Invitae Evidence Modeling of protein sequence and biophysical properties (such as structural, functional, and spatial information, amino acid conservation, physicochemical variation, residue mobility, and thermodynamic stability) indicates that this missense variant is not expected to disrupt TEAD1 protein function with a negative predictive value of 80%. In summary, the available evidence is currently insufficient to determine the role of this variant in disease. Therefore, it has been classified as a Variant of Uncertain Significance.

NM_021961.6(TEAD1):c.625C>T (p.Arg209Cys)

Gene: TEAD1 (TEA domain transcription factor 1; plus strand). Cytogenetic location: 11p15.3.
Variant type: single nucleotide variant.
Coding change: c.625C>T on transcript NM_021961.6 (MANE Select); coding-DNA position 625, C replaced by T.
Protein change: p.Arg209Cys; replaces arginine 209 with cysteine.
Molecular consequence: missense variant.
Genome position (GRCh38, 1-based): chr11:12,883,051, C>T. VCF-style: chr11-12883051-C-T. GRCh37 (hg19) VCF-style: chr11-12904598-C-T.
Other names: short protein forms R209C.
Identifiers: ClinVar variation 1004151 (VCV001004151.8), dbSNP rs375371397, ClinGen allele CA5891693.